The following is an entry in ClinVar:

NM_006031.6(PCNT):c.8662C>T (p.Arg2888Cys)

Gene: PCNT (pericentrin; plus strand). Cytogenetic location: 21q22.3.
Variant type: single nucleotide variant.
Coding change: c.8662C>T on transcript NM_006031.6 (MANE Select); coding-DNA position 8662, C replaced by T.
Protein change: p.Arg2888Cys; replaces arginine 2888 with cysteine.
Molecular consequence: missense variant. On other transcripts: intron variant (1).
Genome position (GRCh38, 1-based): chr21:46,432,126, C>T. VCF-style: chr21-46432126-C-T. GRCh37 (hg19) VCF-style: chr21-47852040-C-T.
Other names: c.8160+148C>T (NM_001315529.2); short protein forms R2888C.
Identifiers: ClinVar variation 4984926 (VCV004984926.1).

ClinVar aggregate classification (germline): Uncertain significance (1 of 4 stars; one submission).

Conditions:
PCNT-related disorder. Also called: PCNT-related condition.

gnomAD v4.1: 2 of 1,614,044 alleles (0.00012%); highest among the groups gnomAD compares: African/African-American, 0.0013%; no homozygotes.

Submission:

PreventionGenetics, part of Exact Sciences
Classification: Uncertain significance for PCNT-related condition. Last evaluated: 2025-12-11. Review status: criteria provided, single submitter. Criteria: ACMG Guidelines, 2015. Collection method: clinical testing. Allele origin: germline.
Comment: The PCNT c.8662C>T variant is predicted to result in the amino acid substitution p.Arg2888Cys. To our knowledge, this variant has not been reported in the literature or in a large population database (gnomAD), indicating this variant is rare. At this time, the clinical significance of this variant is uncertain due to the absence of conclusive functional and genetic evidence.